The following is an entry in ClinVar:

ClinVar aggregate classification (germline): Uncertain significance (1 of 4 stars; one submission).

Conditions:
Epidermodysplasia verruciformis, susceptibility to, 1. Identifiers: Orphanet 302, MedGen C4722564, MONDO:0100045, OMIM 226400.

gnomAD v4.1: 1 of 1,613,818 alleles (0.000062%); highest among the groups gnomAD compares: Non-Finnish European, 0.000085%; no homozygotes.

Submission:

Labcorp Genetics (formerly Invitae), Labcorp
Classification: Uncertain significance for Epidermodysplasia Verruciformis. Last evaluated: 2018-08-08. Review status: criteria provided, single submitter. Criteria: Invitae Variant Classification Sherloc (09022015). Collection method: clinical testing. Allele origin: germline.
Comment: This sequence change falls in intron 13 of the TMC8 gene. It does not directly change the encoded amino acid sequence of the TMC8 protein. This variant is not present in population databases (ExAC no frequency). This variant has not been reported in the literature in individuals with TMC8-related disease. Algorithms developed to predict the effect of sequence changes on RNA splicing suggest that this variant may disrupt the consensus splice site, but this prediction has not been confirmed by published transcriptional studies. In summary, the available evidence is currently insufficient to determine the role of this variant in disease. Therefore, it has been classified as a Variant of Uncertain Significance.

NM_152468.5(TMC8):c.1665-8C>G

Gene: TMC8 (transmembrane channel like 8; plus strand). Cytogenetic location: 17q25.3.
Variant type: single nucleotide variant.
Coding change: c.1665-8C>G on transcript NM_152468.5 (MANE Select); 8 bases into the intron before coding-DNA position 1665, C replaced by G.
Molecular consequence: intron variant.
Genome position (GRCh38, 1-based): chr17:78,138,566, C>G. VCF-style: chr17-78138566-C-G. GRCh37 (hg19) VCF-style: chr17-76134647-C-G.
Identifiers: ClinVar variation 656770 (VCV000656770.1), dbSNP rs1598923439, ClinGen allele CA915952224.